The following is an entry in ClinVar:

ClinVar aggregate classification (germline): Uncertain significance (1 of 4 stars; one submission).

Conditions:
Norman-Roberts syndrome (LIS2). Also called: Lissencephaly 2 (Norman-Roberts type). Identifiers: Orphanet 89844, MedGen C0796089, MONDO:0009760, OMIM 257320.
Familial temporal lobe epilepsy 7. Identifiers: Orphanet 101046, MedGen C4225327, MONDO:0014639, OMIM 616436.

gnomAD v4.1: 1 of 1,613,810 alleles (0.000062%); highest among the groups gnomAD compares: Non-Finnish European, 0.000085%; no homozygotes.

Submission:

Labcorp Genetics (formerly Invitae), Labcorp
Classification: Uncertain significance for Familial temporal lobe epilepsy 7; Norman-Roberts syndrome. Last evaluated: 2024-12-29. Review status: criteria provided, single submitter. Criteria: Invitae Variant Classification Sherloc (09022015). Collection method: clinical testing. Allele origin: germline.
Comment: This sequence change replaces asparagine, which is neutral and polar, with serine, which is neutral and polar, at codon 1678 of the RELN protein (p.Asn1678Ser). This variant is present in population databases (no rsID available, gnomAD 0.0009%). This variant has not been reported in the literature in individuals affected with RELN-related conditions. Invitae Evidence Modeling of protein sequence and biophysical properties (such as structural, functional, and spatial information, amino acid conservation, physicochemical variation, residue mobility, and thermodynamic stability) indicates that this missense variant is not expected to disrupt RELN protein function with a negative predictive value of 80%. In summary, the available evidence is currently insufficient to determine the role of this variant in disease. Therefore, it has been classified as a Variant of Uncertain Significance.

NM_005045.4(RELN):c.5033A>G (p.Asn1678Ser)

Gene: RELN (reelin; minus strand). Cytogenetic location: 7q22.1.
Variant type: single nucleotide variant.
Coding change: c.5033A>G on transcript NM_005045.4 (MANE Select); coding-DNA position 5033, A replaced by G.
Protein change: p.Asn1678Ser; replaces asparagine 1678 with serine.
Molecular consequence: missense variant.
Genome position (GRCh38, 1-based): chr7:103,565,455, T>C on the plus strand (A>G on the coding strand, the complement: RELN is on the minus strand). VCF-style: chr7-103565455-T-C. GRCh37 (hg19) VCF-style: chr7-103205902-T-C.
Other names: c.5033A>G, p.Asn1678Ser (NM_173054.3); short protein forms N1678S.
Identifiers: ClinVar variation 3748944 (VCV003748944.2).
Genomic context (GRCh38, chr7:103,565,455, plus strand): 5'-GTGACAAGATGCCAGTCCTTGCCATTGTTCAGAGAATACTGGAGCTGTACACTGTGGGAG[T>C]TGCTGAAGGGCTTGCTACAGCCCATGCTCATTTCAAACTGCAAAAAGGTAGATGCTGACA-3'
Protein context (NP_005036.2, residues 1668-1688): MSMGCSKPFS[Asn1678Ser]SHSVQLQYSL